The following is an entry in ClinVar:

NM_000532.5(PCCB):c.764-3T>C

Gene: PCCB (propionyl-CoA carboxylase subunit beta; plus strand). Cytogenetic location: 3q22.3.
Variant type: single nucleotide variant.
Coding change: c.764-3T>C on transcript NM_000532.5 (MANE Select); 3 bases into the intron before coding-DNA position 764, T replaced by C.
Molecular consequence: intron variant.
Genome position (GRCh38, 1-based): chr3:136,297,949, T>C. VCF-style: chr3-136297949-T-C. GRCh37 (hg19) VCF-style: chr3-136016791-T-C.
Other names: c.824-3T>C (NM_001178014.2); c.764-3T>C (NM_000532.4).
Identifiers: ClinVar variation 1465405 (VCV001465405.5), dbSNP rs147939913, ClinGen allele CA2631869.

ClinVar aggregate classification (germline): Uncertain significance. Review status: criteria provided, single submitter (1 of 4 stars). 2 submissions from 2 submitters: Uncertain significance (1). 1 of the submissions does not count toward it. Last evaluated 2022-09-07.

Conditions:
Propionic acidemia (PROP). Also called: GLYCINEMIA, KETOTIC; HYPERGLYCINEMIA WITH KETOACIDOSIS AND LEUKOPENIA; KETOTIC HYPERGLYCINEMIA. Identifiers: Orphanet 35, MedGen C0268579, MONDO:0011628, OMIM 606054, HP:0003571.
PCCB-related disorder. Also called: PCCB-related condition.

Allele frequency attached by ClinVar (database versions not stated): gnomAD 0.00001; ExAC 0.00002; gnomAD exomes 0.00002 and 0.00004; TOPMed 0.00004; 1000 Genomes Project 30x 0.00016; 1000 Genomes Project 0.00020.
gnomAD v4.1: 16 of 1,614,110 alleles (0.00099%); highest among the groups gnomAD compares: Admixed American, 0.018%; no homozygotes.

Submissions (2):

Labcorp Genetics (formerly Invitae), Labcorp
Classification: Uncertain significance for Propionic acidemia. Last evaluated: 2022-09-07. Review status: criteria provided, single submitter. Criteria: Invitae Variant Classification Sherloc (09022015). Collection method: clinical testing. Allele origin: germline.
Comment: This sequence change falls in intron 7 of the PCCB gene. It does not directly change the encoded amino acid sequence of the PCCB protein. It affects a nucleotide within the consensus splice site. This variant is present in population databases (rs147939913, gnomAD 0.01%). This variant has not been reported in the literature in individuals affected with PCCB-related conditions. ClinVar contains an entry for this variant (Variation ID: 1465405). Variants that disrupt the consensus splice site are a relatively common cause of aberrant splicing (PMID: 17576681, 9536098). Algorithms developed to predict the effect of sequence changes on RNA splicing suggest that this variant is not likely to affect RNA splicing. In summary, the available evidence is currently insufficient to determine the role of this variant in disease. Therefore, it has been classified as a Variant of Uncertain Significance.

PreventionGenetics, part of Exact Sciences
Classification: Likely benign for PCCB-related condition. Last evaluated: 2023-07-31. Review status: no assertion criteria provided. Collection method: clinical testing. Allele origin: germline. Not counted in ClinVar's aggregate classification.
Comment: This variant is classified as likely benign based on ACMG/AMP sequence variant interpretation guidelines (Richards et al. 2015 PMID: 25741868, with internal and published modifications).

Literature cited by the submitters: PubMed 17576681 (cited by Labcorp Genetics (formerly Invitae), Labcorp); PubMed 9536098 (cited by Labcorp Genetics (formerly Invitae), Labcorp).